The following is an entry in ClinVar:

NM_017636.4(TRPM4):c.2787C>A (p.Asp929Glu)

Gene: TRPM4 (transient receptor potential cation channel subfamily M member 4; plus strand). Cytogenetic location: 19q13.33.
Variant type: single nucleotide variant.
Coding change: c.2787C>A on transcript NM_017636.4 (MANE Select); coding-DNA position 2787, C replaced by A.
Protein change: p.Asp929Glu; replaces aspartic acid 929 with glutamic acid.
Molecular consequence: missense variant.
Genome position (GRCh38, 1-based): chr19:49,200,619, C>A. VCF-style: chr19-49200619-C-A. GRCh37 (hg19) VCF-style: chr19-49703876-C-A.
Other names: c.2352C>A, p.Asp784Glu (NM_001195227.2); c.2442C>A, p.Asp814Glu (NM_001321281.2); c.1179C>A, p.Asp393Glu (NM_001321282.2); c.2265C>A, p.Asp755Glu (NM_001321283.2); c.1725C>A, p.Asp575Glu (NM_001321285.2); short protein forms D393E, D784E, D929E, D575E, D755E, D814E.
Identifiers: ClinVar variation 1516987 (VCV001516987.8), dbSNP rs1189590755, ClinGen allele CA406811583.

ClinVar aggregate classification (germline): Uncertain significance (1 of 4 stars; one submission).

Conditions:
Progressive familial heart block type IB (PFHB1B). Identifiers: Orphanet 871, MedGen C1970298, MONDO:0011474, OMIM 604559.

Submission:

Labcorp Genetics (formerly Invitae), Labcorp
Classification: Uncertain significance for Progressive familial heart block type IB. Last evaluated: 2021-03-26. Review status: criteria provided, single submitter. Criteria: Invitae Variant Classification Sherloc (09022015). Collection method: clinical testing. Allele origin: germline.
Comment: This sequence change replaces aspartic acid with glutamic acid at codon 929 of the TRPM4 protein (p.Asp929Glu). The aspartic acid residue is moderately conserved and there is a small physicochemical difference between aspartic acid and glutamic acid. This variant is not present in population databases (ExAC no frequency). This variant has not been reported in the literature in individuals with TRPM4-related conditions. Algorithms developed to predict the effect of missense changes on protein structure and function are either unavailable or do not agree on the potential impact of this missense change (SIFT: "Deleterious"; PolyPhen-2: "Probably Damaging"; Align-GVGD: "Class C0"). In summary, the available evidence is currently insufficient to determine the role of this variant in disease. Therefore, it has been classified as a Variant of Uncertain Significance.